The following is an entry in ClinVar:

ClinVar aggregate classification (germline): Pathogenic (1 of 4 stars; one submission).

Conditions:
Niemann-Pick disease, type C1. Also called: NIEMANN-PICK DISEASE, VARIANT TYPE C1; NEUROVISCERAL STORAGE DISEASE WITH VERTICAL SUPRANUCLEAR OPHTHALMOPLEGIA; NIEMANN-PICK DISEASE WITH CHOLESTEROL ESTERIFICATION BLOCK; NIEMANN-PICK DISEASE WITHOUT SPHINGOMYELINASE DEFICIENCY; NIEMANN-PICK DISEASE, CHRONIC NEURONOPATHIC FORM. Identifiers: Orphanet 646, MedGen C3179455, MONDO:0009757, OMIM 257220.

gnomAD v4.1: 1 of 1,614,128 alleles (0.000062%); highest among the groups gnomAD compares: Non-Finnish European, 0.000085%; no homozygotes.

Submission:

Labcorp Genetics (formerly Invitae), Labcorp
Classification: Pathogenic for Niemann-Pick disease, type C1. Last evaluated: 2023-04-24. Review status: criteria provided, single submitter. Criteria: Invitae Variant Classification Sherloc (09022015). Collection method: clinical testing. Allele origin: germline.
Comment: This variant is not present in population databases (gnomAD no frequency). This variant has not been reported in the literature in individuals affected with NPC1-related conditions. For these reasons, this variant has been classified as Pathogenic. This sequence change creates a premature translational stop signal (p.Gln811*) in the NPC1 gene. It is expected to result in an absent or disrupted protein product. Loss-of-function variants in NPC1 are known to be pathogenic (PMID: 9211850).

Literature cited by the submitters: PubMed 9211850.

NM_000271.5(NPC1):c.2431C>T (p.Gln811Ter)

Gene: NPC1 (NPC intracellular cholesterol transporter 1; minus strand). Cytogenetic location: 18q11.2.
Variant type: single nucleotide variant.
Coding change: c.2431C>T on transcript NM_000271.5 (MANE Select); coding-DNA position 2431, C replaced by T.
Protein change: p.Gln811Ter; replaces glutamine 811 with a stop codon.
Molecular consequence: nonsense.
Genome position (GRCh38, 1-based): chr18:23,541,151, G>A on the plus strand (C>T on the coding strand, the complement: NPC1 is on the minus strand). VCF-style: chr18-23541151-G-A. GRCh37 (hg19) VCF-style: chr18-21121115-G-A.
Other names: short protein forms Q811*.
Identifiers: ClinVar variation 2858822 (VCV002858822.3), dbSNP rs2058707982, ClinGen allele CA401793443.
Genomic context (GRCh38, chr18:23,541,151, plus strand): 5'-TTAGCAGAAGTGGAGAATAGGAGTTTTTGAAGAAGCGAAACAAACAGCTCTCTGAGGCCT[G>A]GACGCTTGTTCCATCTTCAGCACCTCTGACACAGCAAAAGATGTCTAGCCGATTTTTCTG-3'